The following is an entry in ClinVar:

ClinVar aggregate classification (germline): Pathogenic. Review status: criteria provided, multiple submitters, no conflicts (2 of 4 stars). 3 submissions from 3 submitters: Pathogenic (3). Last evaluated 2026-09-08.

Conditions:
Fabry disease. Also called: ALPHA-GALACTOSIDASE A DEFICIENCY; ANDERSON-FABRY DISEASE; Fabry's disease; Ceramide trihexosidosis; Angiokeratoma corporis diffusum; CERAMIDE TRIHEXOSIDASE DEFICIENCY. Identifiers: Orphanet 324, MedGen C0002986, MONDO:0010526, OMIM 301500, HP:0001071. Disease mechanism: loss of function, Fabry disease is due to inactivating mutations in the X-linked GLA gene resulting in deficiency of the enzyme Alpha Galactosidase-A..

Submissions (3):

Genomenon, Inc
Classification: Pathogenic for Fabry disease. Last evaluated: 2026-09-08. Review status: criteria provided, single submitter. Criteria: Genomenon Sequence Variant Interpretation Standards - Updated. Collection method: curation. Allele origin: germline. Affected: yes.
Comment: GLA p.Glu79Ter (c.235G>T) is a nonsense variant that introduces a premature stop codon at amino acid position 79 and is predicted to result in a truncated or absent protein product. This variant has been observed in at least one proband with clinical features consistent with Fabry disease (PMID:30972193;9105656;16595074). Functional or patient cell studies have been reported (PMID:9105656). It is absent or not present at a significant frequency in gnomAD. In conclusion, we classify GLA p.Glu79Ter (c.235G>T) as a pathogenic variant.

Labcorp Genetics (formerly Invitae), Labcorp
Classification: Pathogenic for Fabry disease. Last evaluated: 2024-08-12. Review status: criteria provided, single submitter. Criteria: Invitae Variant Classification Sherloc (09022015). Collection method: clinical testing. Allele origin: germline.
Comment: This sequence change creates a premature translational stop signal (p.Glu79*) in the GLA gene. It is expected to result in an absent or disrupted protein product. Loss-of-function variants in GLA are known to be pathogenic (PMID: 10666480, 12175777). This variant is not present in population databases (gnomAD no frequency). This premature translational stop signal has been observed in individual(s) with Fabry disease (PMID: 9105656). ClinVar contains an entry for this variant (Variation ID: 180834). For these reasons, this variant has been classified as Pathogenic.

Eurofins Ntd Llc (ga)
Classification: Pathogenic. Last evaluated: 2018-06-08. Review status: criteria provided, single submitter. Criteria: EGL ClinVar v180209 classification definitions. Collection method: clinical testing. Allele origin: germline. Observed: 1 variant allele, 1 heterozygote.

Literature cited by the submitters: PubMed 30972193 (cited by Genomenon, Inc); PubMed 9105656 (cited by Genomenon, Inc and Labcorp Genetics (formerly Invitae), Labcorp); PubMed 16595074 (cited by Genomenon, Inc); PubMed 10666480 (cited by Labcorp Genetics (formerly Invitae), Labcorp); PubMed 12175777 (cited by Labcorp Genetics (formerly Invitae), Labcorp).

NM_000169.3(GLA):c.235G>T (p.Glu79Ter)

Genes: GLA (galactosidase alpha; minus strand), RPL36A-HNRNPH2 (RPL36A-HNRNPH2 readthrough; plus strand). Cytogenetic location: Xq22.1.
Variant type: single nucleotide variant.
Coding change: c.235G>T on transcript NM_000169.3 (MANE Select); coding-DNA position 235, G replaced by T.
Protein change: p.Glu79Ter; replaces glutamic acid 79 with a stop codon.
Molecular consequence: nonsense. On other transcripts: non-coding transcript variant (3), intron variant (2).
Genome position (GRCh38, 1-based): chrX:101,403,945, C>A on the plus strand (G>T on the coding strand, the complement: GLA is on the minus strand). VCF-style: chrX-101403945-C-A. GRCh37 (hg19) VCF-style: chrX-100658933-C-A.
Other names: c.358G>T, p.Glu120Ter (NM_001406747.1, NM_001406749.1); c.235G>T, p.Glu79Ter (NM_001406748.1); c.301-7991C>A (NM_001199973.2); c.178-7991C>A (NM_001199974.2); short protein forms E79*, E120*.
Identifiers: ClinVar variation 180834 (VCV000180834.12), dbSNP rs730880443, ClinGen allele CA021605.
Genomic context (GRCh38, chrX:101,403,945, plus strand): 5'-GGGGAGCCATCCAACAGTCATCAATGCAGAGGTACTCATAACCTGCATCCTTCCAGCCTT[C>A]TGAGACCATGAGCTCTGCCATCTCCATGAAGAGCTTCTCACTGAAAGAGAAATTCCAATA-3'